The following is an entry in ClinVar:

ClinVar aggregate classification (germline): Likely benign (1 of 4 stars; one submission).

Submission:

Women's Health and Genetics/Laboratory Corporation of America, LabCorp
Classification: Likely benign. Last evaluated: 2024-05-13. Review status: criteria provided, single submitter. Criteria: LabCorp Variant Classification Summary - May 2015. Collection method: clinical testing. Allele origin: germline.
Comment: Variant summary: CIC c.2886+15T>G alters a non-conserved nucleotide located at a position not widely known to affect splicing. Consensus agreement among computation tools predict no significant impact on normal splicing. However, these predictions have yet to be confirmed by functional studies. The variant allele was found at a frequency of 4.4e-06 in 1605702 control chromosomes gnomAD 9v4.1 dataset). The available data on variant occurrences in the general population are insufficient to allow any conclusion about variant significance. To our knowledge, no occurrence of c.2886+15T>G in individuals affected with Mental Retardation, Autosomal Dominant 45 and no experimental evidence demonstrating its impact on protein function have been reported. No submitters have cited clinical-significance assessments for this variant to ClinVar. Based on the evidence outlined above, the variant was classified as likely benign.

NM_001386298.1(CIC):c.5613+15T>G

Gene: CIC (capicua transcriptional repressor; plus strand). Cytogenetic location: 19q13.2.
Variant type: single nucleotide variant.
Coding change: c.5613+15T>G on transcript NM_001386298.1 (MANE Select); 15 bases into the intron after coding-DNA position 5613, T replaced by G.
Molecular consequence: intron variant.
Genome position (GRCh38, 1-based): chr19:42,291,760, T>G. VCF-style: chr19-42291760-T-G. GRCh37 (hg19) VCF-style: chr19-42795912-T-G.
Other names: c.5613+15T>G (NM_001304815.2, NM_001379482.1, NM_001379480.1); c.2886+15T>G (NM_015125.5, NM_001379484.1, NM_001379485.1).
Identifiers: ClinVar variation 3335992 (VCV003335992.1).